The following is an entry in ClinVar:

ClinVar aggregate classification (germline): Uncertain significance (1 of 4 stars; one submission).

Submission:

Labcorp Genetics (formerly Invitae), Labcorp
Classification: Uncertain significance. Last evaluated: 2019-10-04. Review status: criteria provided, single submitter. Criteria: Invitae Variant Classification Sherloc (09022015). Collection method: clinical testing. Allele origin: germline.
Comment: This variant results in a copy number gain of the genomic region encompassing exons 1 of the USH1C gene, which includes the initiator codon. The 5' end of this event is unknown as it extends beyond the assayed region for this gene and therefore may encompass additional genes. The 3' boundary is likely confined to intron 1 of the USH1C gene. As the precise location of this event is unknown, it may be in tandem or it may be located elsewhere in the genome. This variant has not been reported in the literature in individuals with USH1C-related conditions. In summary, the available evidence is currently insufficient to determine the role of this variant in disease. Therefore, it has been classified as a Variant of Uncertain Significance.

NC_000011.10:g.(?_17533688)_(17645944_?)dup

Genes: OTOG (otogelin; plus strand), USH1C (USH1 protein network component harmonin; minus strand). Cytogenetic location: 11p15.1.
Variant type: Duplication.
Identifiers: ClinVar variation 833167 (VCV000833167.5).